The following is an entry in ClinVar:

NM_004646.4(NPHS1):c.2617T>G (p.Phe873Val)

Gene: NPHS1 (NPHS1 adhesion molecule, nephrin; minus strand). Cytogenetic location: 19q13.12.
Variant type: single nucleotide variant.
Coding change: c.2617T>G on transcript NM_004646.4 (MANE Select); coding-DNA position 2617, T replaced by G.
Protein change: p.Phe873Val; replaces phenylalanine 873 with valine.
Molecular consequence: missense variant.
Genome position (GRCh38, 1-based): chr19:35,842,170, A>C on the plus strand (T>G on the coding strand, the complement: NPHS1 is on the minus strand). VCF-style: chr19-35842170-A-C. GRCh37 (hg19) VCF-style: chr19-36333072-A-C.
Other names: short protein forms F873V.
Identifiers: ClinVar variation 3373208 (VCV003373208.1).

ClinVar aggregate classification (germline): Uncertain significance (1 of 4 stars; one submission).

gnomAD v4.1: 1 of 1,610,362 alleles (0.000062%); highest among the groups gnomAD compares: Middle Eastern, 0.017%; no homozygotes.

Submission:

GeneDx
Classification: Uncertain significance. Last evaluated: 2024-04-26. Review status: criteria provided, single submitter. Criteria: GeneDx Variant Classification Process June 2021. Collection method: clinical testing. Allele origin: germline. Affected: yes.
Comment: Not observed at significant frequency in large population cohorts (gnomAD); In silico analysis supports that this missense variant has a deleterious effect on protein structure/function; Has not been previously published as pathogenic or benign to our knowledge